The following is an entry in ClinVar:

ClinVar aggregate classification (germline): Uncertain significance (1 of 4 stars; one submission).

Submission:

GeneDx
Classification: Uncertain significance. Last evaluated: 2026-01-31. Review status: criteria provided, single submitter. Criteria: GeneDx Variant Classification Process June 2021. Collection method: clinical testing. Allele origin: germline.
Comment: Not observed at significant frequency in large population cohorts (gnomAD); In silico analysis supports that this missense variant has a deleterious effect on protein structure/function; Has not been previously published as pathogenic or benign to our knowledge

NM_001012614.2(CTBP1):c.208C>T (p.Leu70Phe)

Gene: CTBP1 (C-terminal binding protein 1; minus strand). Cytogenetic location: 4p16.3.
Variant type: single nucleotide variant.
Coding change: c.208C>T on transcript NM_001012614.2 (MANE Select); coding-DNA position 208, C replaced by T.
Protein change: p.Leu70Phe; replaces leucine 70 with phenylalanine.
Molecular consequence: missense variant.
Genome position (GRCh38, 1-based): chr4:1,228,298, G>A on the plus strand (C>T on the coding strand, the complement: CTBP1 is on the minus strand). VCF-style: chr4-1228298-G-A. GRCh37 (hg19) VCF-style: chr4-1222086-G-A.
Other names: c.241C>T, p.Leu81Phe (NM_001328.3, NM_001377186.1); c.208C>T, p.Leu70Phe (NM_001377187.1, NM_001377188.1, NM_001377189.1 and 4 more transcripts); short protein forms L70F, L81F.
Identifiers: ClinVar variation 4975974 (VCV004975974.1).